The following is an entry in ClinVar:

NM_007272.3(CTRC):c.691del (p.Val231fs)

Gene: CTRC (chymotrypsin C; plus strand). Cytogenetic location: 1p36.21.
Variant type: Deletion.
Coding change: c.691del on transcript NM_007272.3 (MANE Select); coding-DNA position 691, one base deleted (G; older notation c.691delG).
Protein change: p.Val231fs; shifts the reading frame from valine 231.
Molecular consequence: frameshift variant.
Genome position (GRCh38, 1-based): chr1:15,445,648, G deleted; the last of 2 consecutive G bases (chr1:15,445,647-15,445,648); deleting either gives the same sequence. VCF-style (leftmost placement, unchanged base first): chr1-15445646-AG-A. GRCh37 (hg19) VCF-style: chr1-15772141-AG-A.
Other names: short protein forms V231fs.
Identifiers: ClinVar variation 4869521 (VCV004869521.1).

ClinVar aggregate classification (germline): Likely pathogenic (1 of 4 stars; one submission).

Conditions:
Hereditary pancreatitis (PCTT). Also called: Hereditary chronic pancreatitis; PRSS1-Related Hereditary Pancreatitis. Identifiers: Orphanet 676, MedGen C0238339, MONDO:0008185, OMIM 167800.

Submission:

Ambry Genetics
Classification: Likely pathogenic for Hereditary pancreatitis. Last evaluated: 2026-04-16. Review status: criteria provided, single submitter. Criteria: Ambry Variant Classification Scheme 2023. Collection method: clinical testing. Allele origin: germline.
Comment: The c.691delG variant, located in coding exon 7 of the CTRC gene, results from a deletion of one nucleotide at nucleotide position 691, causing a translational frameshift with a predicted alternate stop codon (p.V231Cfs*20). This variant occurs at the 3' terminus of the gene, is not expected to trigger nonsense-mediated mRNA decay, and impacts the last 14% of the protein. However, premature stop codons are typically deleterious in nature, the impacted region is critical for protein function and a significant portion of the protein is affected (Ambry internal data). This variant is considered to be rare based on population cohorts in the Genome Aggregation Database (gnomAD). Based on the majority of available evidence to date, this variant is likely to be pathogenic.